The following is an entry in ClinVar:

ClinVar aggregate classification (germline): Uncertain significance (1 of 4 stars; one submission).

Conditions:
Hereditary nonpolyposis colorectal neoplasms. Identifiers: MedGen C0009405, MeSH D003123.

Allele frequency attached by ClinVar (database versions not stated): gnomAD exomes below 0.00001.
gnomAD v4.1: 2 of 1,610,750 alleles (0.00012%); highest among the groups gnomAD compares: Non-Finnish European, 0.00017%; no homozygotes.

Submission:

Labcorp Genetics (formerly Invitae), Labcorp
Classification: Uncertain significance for Hereditary nonpolyposis colorectal neoplasms. Last evaluated: 2021-08-24. Review status: criteria provided, single submitter. Criteria: Invitae Variant Classification Sherloc (09022015). Collection method: clinical testing. Allele origin: germline.
Comment: This sequence change replaces serine with leucine at codon 22 of the PMS2 protein (p.Ser22Leu). The serine residue is highly conserved and there is a large physicochemical difference between serine and leucine. This variant is not present in population databases (ExAC no frequency). This variant has not been reported in the literature in individuals affected with PMS2-related conditions. Advanced modeling of protein sequence and biophysical properties (such as structural, functional, and spatial information, amino acid conservation, physicochemical variation, residue mobility, and thermodynamic stability) performed at Invitae indicates that this missense variant is not expected to disrupt PMS2 protein function. In summary, the available evidence is currently insufficient to determine the role of this variant in disease. Therefore, it has been classified as a Variant of Uncertain Significance.

NM_000535.7(PMS2):c.65C>T (p.Ser22Leu)

Gene: PMS2 (PMS1 homolog 2, mismatch repair system component; minus strand). Cytogenetic location: 7p22.1.
Variant type: single nucleotide variant.
Coding change: c.65C>T on transcript NM_000535.7 (MANE Select); coding-DNA position 65, C replaced by T.
Protein change: p.Ser22Leu; replaces serine 22 with leucine.
Molecular consequence: missense variant. On other transcripts: 5 prime UTR variant (8), non-coding transcript variant (1), intron variant (3).
Genome position (GRCh38, 1-based): chr7:6,005,990, G>A on the plus strand (C>T on the coding strand, the complement: PMS2 is on the minus strand). VCF-style: chr7-6005990-G-A. GRCh37 (hg19) VCF-style: chr7-6045621-G-A.
Other names: c.-341C>T (NM_001322003.2, NM_001322005.2, NM_001322009.2 and 1 more transcripts); c.65C>T, p.Ser22Leu (NM_001322006.2, NM_001322014.2); c.-151C>T (NM_001322007.2); c.-820C>T (NM_001322011.2, NM_001322012.2); c.-420C>T (NM_001322015.2); c.-52-1932C>T (NM_001322008.2); c.-242-1932C>T (NM_001322010.2, NM_001322004.2); short protein forms S22L.
Identifiers: ClinVar variation 1392614 (VCV001392614.5), dbSNP rs767028531, ClinGen allele CA366745127.
Genomic context (GRCh38, chr7:6,005,990, plus strand): 5'-AACTCCTTTACCGCAGTGCTTAGACTCAGTACCACCTGCCCAGAGCAAATCTGATGGACT[G>A]ACTTCCGATCAATAGGTTTGATGGCCTTAGCAGGTTCTGTACTAGAGAAATCAGTTACAA-3'
Protein context (NP_000526.2, residues 12-32): AKAIKPIDRK[Ser22Leu]VHQICSGQVV